The following is an entry in ClinVar:

ClinVar aggregate classification (germline): Likely benign (1 of 4 stars; one submission).

Conditions:
CNOT2-related disorder. Also called: CNOT2-related condition.

Submission:

PreventionGenetics, part of Exact Sciences
Classification: Likely benign for CNOT2-related condition. Last evaluated: 2024-10-02. Review status: criteria provided, single submitter. Criteria: ACMG Guidelines, 2015. Collection method: clinical testing. Allele origin: germline.
Comment: This variant is classified as likely benign based on ACMG/AMP sequence variant interpretation guidelines (Richards et al. 2015 PMID: 25741868, with internal and published modifications).

NM_014515.7(CNOT2):c.650-9A>C

Gene: CNOT2 (CCR4-NOT transcription complex subunit 2; plus strand). Cytogenetic location: 12q15.
Variant type: single nucleotide variant.
Coding change: c.650-9A>C on transcript NM_014515.7 (MANE Select); 9 bases into the intron before coding-DNA position 650, A replaced by C.
Molecular consequence: intron variant.
Genome position (GRCh38, 1-based): chr12:70,335,429, A>C. VCF-style: chr12-70335429-A-C. GRCh37 (hg19) VCF-style: chr12-70729209-A-C.
Other names: c.650-9A>C (NM_001199302.2, NM_001414652.1, NM_001199303.2 and 1 more transcripts); c.623-9A>C (NM_001414655.1, NM_001414653.1, NM_001414654.1); c.590-9A>C (NM_001414660.1, NM_001414657.1, NM_001414659.1 and 1 more transcripts); c.467-9A>C (NM_001414662.1); c.608-9A>C (NM_001414656.1); c.527-9A>C (NM_001414661.1).
Identifiers: ClinVar variation 4997080 (VCV004997080.1).